The following is an entry in ClinVar:

NM_004119.3(FLT3):c.1760del (p.Asn587fs)

Gene: FLT3 (fms related receptor tyrosine kinase 3; minus strand). Cytogenetic location: 13q12.2.
Variant type: Deletion.
Coding change: c.1760del on transcript NM_004119.3 (MANE Select); coding-DNA position 1760, one base deleted (A; older notation c.1760delA).
Protein change: p.Asn587fs; shifts the reading frame from asparagine 587.
Molecular consequence: frameshift variant. On other transcripts: non-coding transcript variant (1).
Genome position (GRCh38, 1-based): chr13:28,034,159, T deleted on the plus strand (A on the coding strand, the reverse complement: FLT3 is on the minus strand); the first of 2 consecutive T bases (chr13:28,034,159-28,034,160); deleting either gives the same sequence. VCF-style (leftmost placement, unchanged base first): chr13-28034158-AT-A. GRCh37 (hg19) VCF-style: chr13-28608295-AT-A.
Other names: c.1760delA (NM_004119.3); short protein forms N587fs.
Identifiers: ClinVar variation 4073543 (VCV004073543.1).
Genomic context (GRCh38, chr13:28,034,158, plus strand): 5'-TCTTGGAAACTCCCATTTGAGATCATATTCATATTCTCTGAAATCAACGTAGAAGTACTC[AT>A]TATCTGAGGAGCCGGTCACCTGTACCATCTGTAGCTGGCTTTCATACCTAAATTGCTTCA-3'

ClinVar aggregate classification (oncogenicity): Oncogenic (0 of 4 stars; one submission).

Conditions:
Acute myeloid leukemia (AML). Also called: Acute myeloid leukemia, adult; AML adult; Acute non-lymphocytic leukemia; Acute granulocytic leukemia; Leukemia, acute myeloid, somatic; Leukemia, acute myelogenous, somatic. Identifiers: Orphanet 519, MedGen C0023467, MeSH D015470, MONDO:0018874, OMIM 601626, HP:0004808. Disease mechanism: Constitutively activated FLT3.

Submission:

Department of Pathology, Institute of Nuclear Medicine and Oncology
Classification: Oncogenic for Acute myeloid leukemia. Last evaluated: 2024-06-24. Review status: no assertion criteria provided. Collection method: research. Allele origin: somatic. Affected: yes.
Comment: Gene: FLT3, Transcript: NM_004119.3, cDNA Change: c.1760delA, Protein Change: p.N587Leufs*15 , Mutation Type: Frameshift deletion, leading to premature truncation. Genomic Location (GRCh38): 28,034,160. Evidence: Located near juxtamembrane domain (JMD) of FLT3 (exon 14). FLT3 c.c.1760delA (p.N587Leufs*15) is a frameshift mutation located near the juxtamembrane domain, a region commonly affected by activating FLT3-ITD mutations. While this variant is not a typical ITD or TKD hotspot mutation, it may impair FLT3’s autoinhibitory function. Classified as oncogenic and somatic mutation causing AML. Evaluation for canonical FLT3 mutations and consideration of co-mutations is recommended. FLT3 inhibitor therapy is not currently indicated based on this finding alone. -FLT3-ITD mutations often occur in this region and disrupt the autoinhibitory function of JMD. -Although not a typical ITD, this frameshift may lead to loss of autoinhibition or misfolded protein. -Not a common hotspot mutation like ITD or TKD. -Requires clinical correlation and possibly functional validation.